The following is an entry in ClinVar:

ClinVar aggregate classification (germline): Pathogenic. Review status: criteria provided, single submitter (1 of 4 stars). 2 submissions from 1 submitter: Pathogenic (1). 1 of the submissions does not count toward it. Last evaluated 2019-07-09.

Conditions:
Seizures, benign familial infantile, 3 (BFIS3). Also called: Familial neonatal seizures; CONVULSIONS, BENIGN FAMILIAL INFANTILE, 3. Identifiers: Orphanet 140927, Orphanet 306, MedGen C1843140, MONDO:0011904, OMIM 607745.
Developmental and epileptic encephalopathy, 11 (DEE11). Also called: Early infantile epileptic encephalopathy 11. Identifiers: Orphanet 1934, MedGen C3150987, MONDO:0013388, OMIM 613721.

Submissions (2):

Labcorp Genetics (formerly Invitae), Labcorp
Classification: Pathogenic for Seizures, benign familial infantile, 3; Developmental and epileptic encephalopathy, 11. Last evaluated: 2019-07-09. Review status: criteria provided, single submitter. Criteria: Invitae Variant Classification Sherloc (09022015). Collection method: clinical testing. Allele origin: germline.
Comment: For these reasons, this variant has been classified as Pathogenic. Loss-of-function variants in SCN2A are known to be pathogenic (PMID: 22495306, 23020937, 24650168). This variant has not been reported in the literature in individuals with SCN2A-related conditions. This variant is a gross deletion of the genomic region encompassing exons 1-16 of the SCN2A gene, which includes the initiator codon. The 5' end of this event is unknown as it extends beyond the assayed region for this gene and therefore may encompass additional genes. The 3' boundary is likely confined to intron 16 of the SCN2A gene. This is expected to result in an absent or disrupted protein product.

Labcorp Genetics (formerly Invitae), Labcorp
Classification: Uncertain significance. Last evaluated: 2019-07-17. Review status: flagged submission. Criteria: Invitae Variant Classification Sherloc (09022015). Collection method: clinical testing. Allele origin: germline. Not counted in ClinVar's aggregate classification.
Comment: A gross deletion of the genomic region encompassing the full coding sequence of the SCN3A gene has been identified. The boundaries of this event are unknown as the deletion extends beyond the assayed region for this gene and therefore may encompass additional genes. Isolated whole-gene deletions of SCN3A have not been reported in the literature. However, larger copy number events that include this gene have been reported (PMID: 23662938). The current clinical and genetic evidence is not sufficient to establish whether loss-of-function variants in SCN3A cause disease. In summary, the available evidence is currently insufficient to determine the role of this variant in disease. Therefore, it has been classified as a Variant of Uncertain Significance.
ClinVar note: Reason: This record appears to be redundant with a more recent record from the same submitter.
ClinVar note: Notes: SCV001195236 appears to be redundant with SCV001579460.
ClinVar note: Notes: Submitter has multiple conflicting submissions that are gene-specific for a deletion spanning multiple genes. The presence of at least one dosage-sensitive gene is enough to call the overall CNV pathogenic.
ClinVar note: Reason: Other

Literature cited by the submitters: PubMed 22495306; PubMed 23020937; PubMed 24650168; PubMed 23662938.

NC_000002.12:g.(?_165090130)_(165344931_?)del

Genes: SCN2A (sodium voltage-gated channel alpha subunit 2; plus strand), SCN3A (sodium voltage-gated channel alpha subunit 3; minus strand). Cytogenetic location: 2q24.3.
Variant type: Deletion.
Identifiers: ClinVar variation 831369 (VCV000831369.4).